The following is an entry in ClinVar:

NM_004304.5(ALK):c.2599G>C (p.Val867Leu)

Gene: ALK (ALK receptor tyrosine kinase; minus strand). Cytogenetic location: 2p23.2.
Variant type: single nucleotide variant.
Coding change: c.2599G>C on transcript NM_004304.5 (MANE Select); coding-DNA position 2599, G replaced by C.
Protein change: p.Val867Leu; replaces valine 867 with leucine.
Molecular consequence: missense variant.
Genome position (GRCh38, 1-based): chr2:29,232,337, C>G on the plus strand (G>C on the coding strand, the complement: ALK is on the minus strand). VCF-style: chr2-29232337-C-G. GRCh37 (hg19) VCF-style: chr2-29455203-C-G.
Other names: short protein forms V867L.
Identifiers: ClinVar variation 3855847 (VCV003855847.1).
Genomic context (GRCh38, chr2:29,232,337, plus strand): 5'-GGAGAGGGCACGCTTGCAGCGCTTTACCTGCGGCTCCGGAATTGCCGTTTAGCCCTAGAA[C>G]CGAGGAGTTATTCTCCAGTCTCTCTGGGTGGAACGTGTCTGTCTTGGCCCCGTAGGCCCT-3'
Protein context (NP_004295.2, residues 857-877): HPERLENNSS[Val867Leu]LGLNGNSGAA

ClinVar aggregate classification (germline): Uncertain significance (1 of 4 stars; one submission).

Conditions:
Hereditary cancer-predisposing syndrome. Also called: Hereditary neoplastic syndrome; Neoplastic Syndromes, Hereditary; Tumor predisposition; Hereditary Cancer Syndrome. Identifiers: Orphanet 140162, MedGen C0027672, MeSH D009386, MONDO:0015356.

Submission:

Ambry Genetics
Classification: Uncertain significance for Hereditary cancer-predisposing syndrome. Last evaluated: 2025-02-20. Review status: criteria provided, single submitter. Criteria: Ambry Variant Classification Scheme 2023. Collection method: clinical testing. Allele origin: germline.
Comment: The p.V867L variant (also known as c.2599G>C), located in coding exon 15 of the ALK gene, results from a G to C substitution at nucleotide position 2599. The valine at codon 867 is replaced by leucine, an amino acid with highly similar properties. This amino acid position is conserved. In addition, this alteration is predicted to be tolerated by in silico analysis. Based on the available evidence, the clinical significance of this variant remains unclear.